The following is an entry in ClinVar:

ClinVar aggregate classification (germline): Conflicting classifications of pathogenicity. Review status: criteria provided, conflicting classifications (1 of 4 stars). 2 submissions from 2 submitters: Uncertain significance (1); Likely benign (1). Last evaluated 2023-04-26.

Allele frequency attached by ClinVar (database versions not stated): gnomAD 0.00001; TOPMed 0.00001; ExAC 0.00003; gnomAD exomes 0.00004; ESP Exome Variant Server 0.00008.
gnomAD v4.1: 65 of 1,612,696 alleles (0.004%); highest among the groups gnomAD compares: Non-Finnish European, 0.0053%; no homozygotes.

Submissions (2):

Labcorp Genetics (formerly Invitae), Labcorp
Classification: Uncertain significance. Last evaluated: 2023-04-26. Review status: criteria provided, single submitter. Criteria: Invitae Variant Classification Sherloc (09022015). Collection method: clinical testing. Allele origin: germline.
Comment: In summary, the available evidence is currently insufficient to determine the role of this variant in disease. Therefore, it has been classified as a Variant of Uncertain Significance. Advanced modeling of protein sequence and biophysical properties (such as structural, functional, and spatial information, amino acid conservation, physicochemical variation, residue mobility, and thermodynamic stability) has been performed at Invitae for this missense variant, however the output from this modeling did not meet the statistical confidence thresholds required to predict the impact of this variant on ABL1 protein function. This variant has not been reported in the literature in individuals affected with ABL1-related conditions. This variant is present in population databases (rs143666455, gnomAD 0.002%). This sequence change replaces glycine, which is neutral and non-polar, with serine, which is neutral and polar, at codon 201 of the ABL1 protein (p.Gly201Ser).

Blueprint Genetics
Classification: Likely benign. Last evaluated: 2023-04-11. Review status: criteria provided, single submitter. Criteria: ACMG Guidelines, 2015. Collection method: clinical testing. Allele origin: germline.

NM_005157.6(ABL1):c.544G>A (p.Gly182Ser)

Gene: ABL1 (ABL proto-oncogene 1, non-receptor tyrosine kinase; plus strand). Cytogenetic location: 9q34.12.
Variant type: single nucleotide variant.
Coding change: c.544G>A on transcript NM_005157.6 (MANE Select); coding-DNA position 544, G replaced by A.
Protein change: p.Gly182Ser; replaces glycine 182 with serine.
Molecular consequence: missense variant.
Genome position (GRCh38, 1-based): chr9:130,855,091, G>A. VCF-style: chr9-130855091-G-A. GRCh37 (hg19) VCF-style: chr9-133730478-G-A.
Other names: c.601G>A, p.Gly201Ser (NM_007313.3); short protein forms G182S, G201S.
Identifiers: ClinVar variation 2724566 (VCV002724566.4), dbSNP rs143666455, ClinGen allele CA5285229.